The following is an entry in ClinVar:

NM_002470.4(MYH3):c.2306G>A (p.Gly769Asp)

Gene: MYH3 (myosin heavy chain 3; minus strand). Cytogenetic location: 17p13.1.
Variant type: single nucleotide variant.
Coding change: c.2306G>A on transcript NM_002470.4 (MANE Select); coding-DNA position 2306, G replaced by A.
Protein change: p.Gly769Asp; replaces glycine 769 with aspartic acid.
Molecular consequence: missense variant.
Genome position (GRCh38, 1-based): chr17:10,640,453, C>T on the plus strand (G>A on the coding strand, the complement: MYH3 is on the minus strand). VCF-style: chr17-10640453-C-T. GRCh37 (hg19) VCF-style: chr17-10543770-C-T.
Other names: short protein forms G769D.
Identifiers: ClinVar variation 1335252 (VCV001335252.38), dbSNP rs2142400622, ClinGen allele CA398164539.

ClinVar aggregate classification (germline): Likely pathogenic. Review status: criteria provided, multiple submitters, no conflicts (2 of 4 stars). 2 submissions from 2 submitters: Likely pathogenic (2). Last evaluated 2022-11-07.

Submissions (2):

GeneDx
Classification: Likely pathogenic. Last evaluated: 2022-11-07. Review status: criteria provided, single submitter. Criteria: GeneDx Variant Classification Process June 2021. Collection method: clinical testing. Allele origin: germline. Affected: yes.
Comment: Not observed at significant frequency in large population cohorts (gnomAD); In silico analysis supports that this missense variant has a deleterious effect on protein structure/function; Has not been previously published as pathogenic or benign to our knowledge

CeGaT Center for Human Genetics Tuebingen
Classification: Likely pathogenic. Last evaluated: 2021-12-01. Review status: criteria provided, single submitter. Criteria: CeGaT Center For Human Genetics Tuebingen Variant Classification Criteria Version 2. Collection method: clinical testing. Allele origin: germline. Affected: yes. Observed: 1 variant allele.